The following is an entry in ClinVar:

ClinVar aggregate classification (germline): Likely benign (0 of 4 stars; one submission).

Conditions:
DNASE1-related disorder. Also called: DNASE1-related condition.

Allele frequency attached by ClinVar (database versions not stated): gnomAD exomes 0.00006; gnomAD 0.00014; TOPMed 0.00022; ExAC 0.00025; 1000 Genomes Project 30x 0.00156; 1000 Genomes Project 0.00160.
gnomAD v4.1: 129 of 1,614,136 alleles (0.008%); highest among the groups gnomAD compares: East Asian, 0.18%; no homozygotes.

Submission:

PreventionGenetics, part of Exact Sciences
Classification: Likely benign for DNASE1-related condition. Last evaluated: 2019-12-05. Review status: no assertion criteria provided. Collection method: clinical testing. Allele origin: germline.
Comment: This variant is classified as likely benign based on ACMG/AMP sequence variant interpretation guidelines (Richards et al. 2015 PMID: 25741868, with internal and published modifications).

NM_005223.4(DNASE1):c.126C>T (p.Thr42=)

Gene: DNASE1 (deoxyribonuclease 1; plus strand). Cytogenetic location: 16p13.3.
Variant type: single nucleotide variant.
Coding change: c.126C>T on transcript NM_005223.4 (MANE Select); coding-DNA position 126, C replaced by T.
Protein change: p.Thr42=; no amino-acid change (threonine 42 retained).
Molecular consequence: synonymous variant. On other transcripts: missense variant (1), non-coding transcript variant (2).
Genome position (GRCh38, 1-based): chr16:3,655,499, C>T. VCF-style: chr16-3655499-C-T. GRCh37 (hg19) VCF-style: chr16-3705500-C-T.
Other names: c.126C>T, p.Thr42= (NM_001351825.2, NM_001387135.1, NM_001387139.1 and 1 more transcripts); c.8C>T, p.Pro3Leu (NM_001387141.1); short protein forms P3L.
Identifiers: ClinVar variation 3049024 (VCV003049024.2), dbSNP rs144058317, ClinGen allele CA7867047.